The following is an entry in ClinVar:

ClinVar aggregate classification (germline): Pathogenic/Likely pathogenic. Review status: criteria provided, multiple submitters, no conflicts (2 of 4 stars). 3 submissions from 3 submitters: Pathogenic (2); Likely pathogenic (1). Last evaluated 2024-03-27.

Conditions:
Bardet-Biedl syndrome 4 (BBS4). Identifiers: Orphanet 110, MedGen C2936864, MONDO:0014433, OMIM 615982.
Bardet-Biedl syndrome (BBS). Identifiers: Orphanet 110, MedGen C0752166, MONDO:0015229.

Allele frequency attached by ClinVar (database versions not stated): gnomAD exomes 0.00001.
gnomAD v4.1: 17 of 1,614,042 alleles (0.0011%); highest among the groups gnomAD compares: Non-Finnish European, 0.0013%; no homozygotes.

Submissions (3):

Baylor Genetics
Classification: Likely pathogenic for Bardet-Biedl syndrome 4. Last evaluated: 2024-03-27. Review status: criteria provided, single submitter. Criteria: ACMG Guidelines, 2015. Collection method: clinical testing. Allele origin: unknown.

Labcorp Genetics (formerly Invitae), Labcorp
Classification: Pathogenic for Bardet-Biedl syndrome. Last evaluated: 2023-07-31. Review status: criteria provided, single submitter. Criteria: Invitae Variant Classification Sherloc (09022015). Collection method: clinical testing. Allele origin: germline.
Comment: For these reasons, this variant has been classified as Pathogenic. Algorithms developed to predict the effect of sequence changes on RNA splicing suggest that this variant may disrupt the consensus splice site. ClinVar contains an entry for this variant (Variation ID: 2014919). Disruption of this splice site has been observed in individual(s) with Bardet-Biedl syndrome (Invitae). This variant is present in population databases (no rsID available, gnomAD 0.0009%). This sequence change affects a donor splice site in intron 14 of the BBS4 gene. It is expected to disrupt RNA splicing. Variants that disrupt the donor or acceptor splice site typically lead to a loss of protein function (PMID: 16199547), and loss-of-function variants in BBS4 are known to be pathogenic (PMID: 11381270, 12016587, 20177705, 27894351).

Clinical Genetics Service, Universitary Hospital 12 de Octubre
Classification: Pathogenic for Bardet-Biedl syndrome 4. Review status: criteria provided, single submitter. Criteria: ACMG Guidelines, 2015. Collection method: clinical testing. Allele origin: maternal. Affected: yes.

Literature cited by the submitters: PubMed 16199547 (cited by Labcorp Genetics (formerly Invitae), Labcorp); PubMed 11381270 (cited by Labcorp Genetics (formerly Invitae), Labcorp); PubMed 12016587 (cited by Labcorp Genetics (formerly Invitae), Labcorp); PubMed 20177705 (cited by Labcorp Genetics (formerly Invitae), Labcorp); PubMed 27894351 (cited by Labcorp Genetics (formerly Invitae), Labcorp).

NM_033028.5(BBS4):c.1248+1G>A

Gene: BBS4 (Bardet-Biedl syndrome 4; plus strand). Cytogenetic location: 15q24.1.
Variant type: single nucleotide variant.
Coding change: c.1248+1G>A on transcript NM_033028.5 (MANE Select); the canonical splice donor site of the intron after coding-DNA position 1248, G replaced by A.
Molecular consequence: splice donor variant.
Genome position (GRCh38, 1-based): chr15:72,735,967, G>A. VCF-style: chr15-72735967-G-A. GRCh37 (hg19) VCF-style: chr15-73028308-G-A.
Other names: c.1179+1G>A (NM_001320665.2); c.732+1G>A (NM_001252678.2); c.1248+1G>A (NM_033028.4).
Identifiers: ClinVar variation 2014919 (VCV002014919.7), dbSNP rs1419924139, ClinGen allele CA393080259.